The following is an entry in ClinVar:

NM_000548.5(TSC2):c.5130C>T (p.Phe1710=)

Gene: TSC2 (TSC complex subunit 2; plus strand). Cytogenetic location: 16p13.3.
Variant type: single nucleotide variant.
Coding change: c.5130C>T on transcript NM_000548.5 (MANE Select); coding-DNA position 5130, C replaced by T.
Protein change: p.Phe1710=; no amino-acid change (phenylalanine 1710 retained).
Molecular consequence: synonymous variant.
Genome position (GRCh38, 1-based): chr16:2,088,109, C>T. VCF-style: chr16-2088109-C-T. GRCh37 (hg19) VCF-style: chr16-2138110-C-T.
Other names: c.5130C>T (NM_000548.4); c.4929C>T, p.Phe1643= (NM_001077183.3); c.5061C>T, p.Phe1687= (NM_001114382.3); c.4821C>T, p.Phe1607= (NM_001318827.2); c.4785C>T, p.Phe1595= (NM_001318829.2); c.4398C>T, p.Phe1466= (NM_001318831.2); c.4962C>T, p.Phe1654= (NM_001318832.2); c.4932C>T, p.Phe1644= (NM_001363528.2); and 2 more.
Identifiers: ClinVar variation 468140 (VCV000468140.47), dbSNP rs760978505, ClinGen allele CA054016.

ClinVar aggregate classification (germline): Benign/Likely benign. Review status: criteria provided, multiple submitters, no conflicts (2 of 4 stars). 11 submissions from 11 submitters: Benign (3); Likely benign (8). Last evaluated 2026-02-03.

Conditions:
Hereditary cancer-predisposing syndrome. Also called: Hereditary neoplastic syndrome; Tumor predisposition; Neoplastic Syndromes, Hereditary; Hereditary Cancer Syndrome. Identifiers: Orphanet 140162, MedGen C0027672, MeSH D009386, MONDO:0015356.
TSC2-related disorder. Also called: TSC2-related condition; TSC2-Related Disorders.
Tuberous sclerosis syndrome (TSC). Also called: Tuberous Sclerosis Complex; Tuberous sclerosis. Identifiers: Orphanet 805, MedGen C0041341, MONDO:0001734.
Tuberous sclerosis 2 (TSC2). Identifiers: Orphanet 805, MedGen C1860707, MONDO:0013199, OMIM 613254.

Allele frequency attached by ClinVar (database versions not stated): ExAC 0.00004; gnomAD 0.00004 and 0.00005; gnomAD exomes 0.00004 and 0.00007; TOPMed 0.00006.
gnomAD v4.1: 108 of 1,612,962 alleles (0.0067%); highest among the groups gnomAD compares: Non-Finnish European, 0.0081%; no homozygotes.

Submissions (11):

Labcorp Genetics (formerly Invitae), Labcorp
Classification: Benign for Tuberous sclerosis 2. Last evaluated: 2026-02-03. Review status: criteria provided, single submitter. Criteria: Invitae Variant Classification Sherloc (09022015). Collection method: clinical testing. Allele origin: germline.

Myriad Genetics, Inc.
Classification: Benign for Tuberous sclerosis 2. Last evaluated: 2025-06-06. Review status: criteria provided, single submitter. Criteria: Myriad Autosomal Dominant, Autosomal Recessive and X-Linked Classification Criteria (2023). Collection method: clinical testing. Allele origin: unknown.
Comment: This variant is considered benign. This variant is a silent/synonymous amino acid change and it is not expected to impact splicing.

PreventionGenetics, part of Exact Sciences
Classification: Likely benign for TSC2-related condition. Last evaluated: 2025-04-22. Review status: criteria provided, single submitter. Criteria: ACMG Guidelines, 2015. Collection method: clinical testing. Allele origin: germline.
Comment: This variant is classified as likely benign based on ACMG/AMP sequence variant interpretation guidelines (Richards et al. 2015 PMID: 25741868, with internal and published modifications).

Blueprint Genetics
Classification: Likely benign. Last evaluated: 2024-09-12. Review status: criteria provided, single submitter. Criteria: ACMG Guidelines, 2015. Collection method: clinical testing. Allele origin: germline.

CeGaT Center for Human Genetics Tuebingen
Classification: Likely benign. Last evaluated: 2024-03-01. Review status: criteria provided, single submitter. Criteria: CeGaT Center For Human Genetics Tuebingen Variant Classification Criteria Version 2. Collection method: clinical testing. Allele origin: germline. Affected: yes. Observed: 1 variant allele.
Comment: TSC2: BP4, BP7

Color Diagnostics, LLC DBA Color Health
Classification: Likely benign for Tuberous sclerosis syndrome. Last evaluated: 2023-12-06. Review status: criteria provided, single submitter. Criteria: ACMG Guidelines, 2015. Collection method: clinical testing. Allele origin: germline.

Quest Diagnostics Nichols Institute San Juan Capistrano
Classification: Likely benign. Last evaluated: 2023-06-29. Review status: criteria provided, single submitter. Criteria: Quest Diagnostics criteria. Collection method: clinical testing. Allele origin: unknown.
Comment: Computational tools yielded predictions that this variant is unlikely to have an effect on normal RNA splicing. This nucleotide position exhibits low evolutionary conservation.

Genome-Nilou Lab
Classification: Benign for Tuberous sclerosis 2. Last evaluated: 2021-11-07. Review status: criteria provided, single submitter. Criteria: ACMG Guidelines, 2015. Collection method: clinical testing. Allele origin: germline. Affected: no.

Sema4
Classification: Likely benign for Hereditary cancer-predisposing syndrome. Last evaluated: 2021-01-26. Review status: criteria provided, single submitter. Criteria: Sema4 Curation Guidelines. Collection method: curation. Allele origin: germline.

GeneDx
Classification: Likely benign. Last evaluated: 2018-05-16. Review status: criteria provided, single submitter. Criteria: GeneDx Variant Classification (06012015). Collection method: clinical testing. Allele origin: germline. Affected: yes.
Comment: This variant is considered likely benign or benign based on one or more of the following criteria: it is a conservative change, it occurs at a poorly conserved position in the protein, it is predicted to be benign by multiple in silico algorithms, and/or has population frequency not consistent with disease.

Ambry Genetics
Classification: Likely benign for Hereditary cancer-predisposing syndrome. Last evaluated: 2015-12-29. Review status: criteria provided, single submitter. Criteria: Ambry Variant Classification Scheme 2023. Collection method: clinical testing. Allele origin: germline.